The following is an entry in ClinVar:

ClinVar aggregate classification (germline): Uncertain significance (1 of 4 stars; one submission).

Allele frequency attached by ClinVar (database versions not stated): TOPMed below 0.00001.

Submission:

Labcorp Genetics (formerly Invitae), Labcorp
Classification: Uncertain significance. Last evaluated: 2022-11-24. Review status: criteria provided, single submitter. Criteria: Invitae Variant Classification Sherloc (09022015). Collection method: clinical testing. Allele origin: germline.
Comment: This sequence change replaces alanine, which is neutral and non-polar, with valine, which is neutral and non-polar, at codon 259 of the SLC12A6 protein (p.Ala259Val). This variant is not present in population databases (gnomAD no frequency). This variant has not been reported in the literature in individuals affected with SLC12A6-related conditions. Advanced modeling of protein sequence and biophysical properties (such as structural, functional, and spatial information, amino acid conservation, physicochemical variation, residue mobility, and thermodynamic stability) performed at Invitae indicates that this missense variant is not expected to disrupt SLC12A6 protein function. In summary, the available evidence is currently insufficient to determine the role of this variant in disease. Therefore, it has been classified as a Variant of Uncertain Significance.

NM_001365088.1(SLC12A6):c.776C>T (p.Ala259Val)

Gene: SLC12A6 (solute carrier family 12 member 6; minus strand). Cytogenetic location: 15q14.
Variant type: single nucleotide variant.
Coding change: c.776C>T on transcript NM_001365088.1 (MANE Select); coding-DNA position 776, C replaced by T.
Protein change: p.Ala259Val; replaces alanine 259 with valine.
Molecular consequence: missense variant.
Genome position (GRCh38, 1-based): chr15:34,255,362, G>A on the plus strand (C>T on the coding strand, the complement: SLC12A6 is on the minus strand). VCF-style: chr15-34255362-G-A. GRCh37 (hg19) VCF-style: chr15-34547563-G-A.
Other names: c.599C>T, p.Ala200Val (NM_001042494.2, NM_001042495.2); c.749C>T, p.Ala250Val (NM_001042496.2); c.731C>T, p.Ala244Val (NM_001042497.2); c.623C>T, p.Ala208Val (NM_005135.2); c.776C>T, p.Ala259Val (NM_133647.2); short protein forms A208V, A244V, A259V, A250V, A200V.
Identifiers: ClinVar variation 2954912 (VCV002954912.3), dbSNP rs1892676084, ClinGen allele CA391610535.